The following is an entry in ClinVar:

ClinVar aggregate classification (germline): Uncertain significance (1 of 4 stars; one submission).

Submission:

Ambry Genetics
Classification: Uncertain significance. Last evaluated: 2023-07-20. Review status: criteria provided, single submitter. Criteria: Ambry Variant Classification Scheme 2023. Collection method: clinical testing. Allele origin: germline.
Comment: The c.1701delC variant, located in coding exon 10 of the GALNT12 gene, results from a deletion of one nucleotide at nucleotide position 1701, causing a translational frameshift with a predicted alternate stop codon (p.N568Tfs*41). This alteration is expected to result in loss of function by premature protein truncation or nonsense-mediated mRNA decay. The evidence for this gene-disease relationship is limited; therefore, the clinical significance of this alteration is unclear.

NM_024642.5(GALNT12):c.1701del (p.Asn568fs)

Gene: GALNT12 (polypeptide N-acetylgalactosaminyltransferase 12; plus strand). Cytogenetic location: 9q22.33.
Variant type: Deletion.
Coding change: c.1701del on transcript NM_024642.5 (MANE Select); coding-DNA position 1701, one base deleted (C; older notation c.1701delC).
Protein change: p.Asn568fs; shifts the reading frame from asparagine 568.
Molecular consequence: frameshift variant.
Genome position (GRCh38, 1-based): chr9:98,849,047, C deleted; the last of 2 consecutive C bases (chr9:98,849,046-98,849,047); deleting either gives the same sequence. VCF-style (leftmost placement, unchanged base first): chr9-98849045-AC-A. GRCh37 (hg19) VCF-style: chr9-101611327-AC-A.
Other names: short protein forms N568fs.
Identifiers: ClinVar variation 2586456 (VCV002586456.2), dbSNP rs2490565879, ClinGen allele CA2582342011.
Genomic context (GRCh38, chr9:98,849,045, plus strand): 5'-TGTGTCCAGGCTGCGAGGAAGGAGTCGAGTGACAGTTTCGTTCCACTCTTACGAGACTGC[AC>A]CAACTCGGATCATCAGAAATGGTTCTTCAAAGAGCGCATGTTATGAAGCCTCGTGTATCA-3'